The following is an entry in ClinVar:

NM_018896.5(CACNA1G):c.6902G>A (p.Arg2301Gln)

Gene: CACNA1G (calcium voltage-gated channel subunit alpha1 G; plus strand). Cytogenetic location: 17q21.33.
Variant type: single nucleotide variant.
Coding change: c.6902G>A on transcript NM_018896.5 (MANE Select); coding-DNA position 6902, G replaced by A.
Protein change: p.Arg2301Gln; replaces arginine 2301 with glutamine.
Molecular consequence: missense variant. On other transcripts: non-coding transcript variant (5).
Genome position (GRCh38, 1-based): chr17:50,626,519, G>A. VCF-style: chr17-50626519-G-A. GRCh37 (hg19) VCF-style: chr17-48703880-G-A.
Other names: c.6869G>A, p.Arg2290Gln (NM_198377.3); c.6590G>A, p.Arg2197Gln (NM_198378.3); c.6665G>A, p.Arg2222Gln (NM_198379.3); c.6734G>A, p.Arg2245Gln (NM_198380.3); c.6554G>A, p.Arg2185Gln (NM_198382.3); c.6689G>A, p.Arg2230Gln (NM_198383.3); c.6623G>A, p.Arg2208Gln (NM_198384.3); c.6767G>A, p.Arg2256Gln (NM_198385.3); and 19 more; short protein forms R2301Q, R2190Q, R2201Q, R2170Q, R2174Q, R2197Q, R2208Q, R2211Q.
Identifiers: ClinVar variation 382858 (VCV000382858.8), dbSNP rs757138454, ClinGen allele CA8653754.
Genomic context (GRCh38, chr17:50,626,519, plus strand): 5'-CCCACCTGGGCACAGACCCCTCTAACCTTGGGGGCCAGCCTCTTGGGGGGCCTGGGAGCC[G>A]GCCCAAGAAAAAACTCAGCCCGCCTAGTATCACCATAGACCCCCCCGAGAGCCAAGGTCC-3'
Protein context (NP_061496.2, residues 2291-2311): GGQPLGGPGS[Arg2301Gln]PKKKLSPPSI

ClinVar aggregate classification (germline): Conflicting classifications of pathogenicity. Review status: criteria provided, conflicting classifications (1 of 4 stars). 2 submissions from 2 submitters: Uncertain significance (1); Likely benign (1). Last evaluated 2025-06-18.

Conditions:
Inborn genetic diseases. Identifiers: MedGen C0950123, MeSH D030342.

Allele frequency attached by ClinVar (database versions not stated): gnomAD exomes 0.00003; ExAC 0.00004; gnomAD 0.00007; TOPMed 0.00010; 1000 Genomes Project 30x 0.00016.
gnomAD v4.1: 85 of 1,572,104 alleles (0.0054%); highest among the groups gnomAD compares: African/African-American, 0.0082%; no homozygotes.

Submissions (2):

Ambry Genetics
Classification: Uncertain significance for Inborn genetic diseases. Last evaluated: 2025-06-18. Review status: criteria provided, single submitter. Criteria: Ambry Variant Classification Scheme 2023. Collection method: clinical testing. Allele origin: germline.

GeneDx
Classification: Likely benign. Last evaluated: 2024-01-23. Review status: criteria provided, single submitter. Criteria: GeneDx Variant Classification Process June 2021. Collection method: clinical testing. Allele origin: germline. Affected: yes.
Comment: See Variant Classification Assertion Criteria.